The following is an entry in ClinVar:

NM_021224.6(ZNF462):c.6163C>T (p.Arg2055Ter)

Gene: ZNF462 (zinc finger protein 462; plus strand). Cytogenetic location: 9q31.2.
Variant type: single nucleotide variant.
Coding change: c.6163C>T on transcript NM_021224.6 (MANE Select); coding-DNA position 6163, C replaced by T.
Protein change: p.Arg2055Ter; replaces arginine 2055 with a stop codon.
Molecular consequence: nonsense.
Genome position (GRCh38, 1-based): chr9:106,935,549, C>T. VCF-style: chr9-106935549-C-T. GRCh37 (hg19) VCF-style: chr9-109697830-C-T.
Other names: c.3568C>T, p.Arg1190Ter (NM_001347997.2); short protein forms R1190*, R2055*.
Identifiers: ClinVar variation 2631549 (VCV002631549.5), dbSNP rs1830597071, ClinGen allele CA374424641.

ClinVar aggregate classification (germline): Pathogenic. Review status: criteria provided, single submitter (1 of 4 stars). 2 submissions from 2 submitters: Pathogenic (1). 1 of the submissions does not count toward it. Last evaluated 2024-03-07.

Conditions:
ZNF462-related disorder. Also called: ZNF462-related condition; ZNF462 related disease.
Weiss-Kruszka syndrome. Also called: Metopic ridging-ptosis-facial dysmorphism syndrome. Identifiers: Orphanet 502430, MedGen C5568107, MONDO:0032836, OMIM 618619.

Submissions (2):

Laboratory of Molecular and Physiopathological Bases of Osteochondrodysplasia, Imagine Institute
Classification: Pathogenic for Weiss-Kruszka syndrome. Last evaluated: 2024-03-07. Review status: criteria provided, single submitter. Criteria: ACMG Guidelines, 2015. Collection method: clinical testing. Allele origin: de novo. Affected: yes. Observed: 1 variant allele.

PreventionGenetics, part of Exact Sciences
Classification: Pathogenic for ZNF462-related condition. Last evaluated: 2024-01-30. Review status: no assertion criteria provided. Collection method: clinical testing. Allele origin: germline. Not counted in ClinVar's aggregate classification.
Comment: The ZNF462 c.6163C>T variant is predicted to result in premature protein termination (p.Arg2055*). To our knowledge, this variant has not been reported in the literature, or a large population database, indicating this variant is rare. Nonsense variants in ZNF462 are expected to be pathogenic. This variant is interpreted as pathogenic.